The following is an entry in ClinVar:

NM_001374385.1(ATP8B1):c.3702dup (p.Asp1235Ter)

Genes: ATP8B1 (ATPase phospholipid transporting 8B1; minus strand), ATP8B1-AS1 (ATP8B1 antisense RNA 1; plus strand). Cytogenetic location: 18q21.31.
Variant type: Duplication.
Coding change: c.3702dup on transcript NM_001374385.1 (MANE Select); coding-DNA position 3702, one base duplicated (T; older notation c.3702dupT).
Protein change: p.Asp1235Ter; replaces aspartic acid 1235 with a stop codon.
Molecular consequence: nonsense.
Genome position (GRCh38, 1-based): chr18:57,648,542, A duplicated on the plus strand (T on the coding strand, the reverse complement: ATP8B1 is on the minus strand); the first of 2 consecutive A bases (chr18:57,648,542-57,648,543); duplicating either gives the same sequence. VCF-style (leftmost placement, unchanged base first): chr18-57648541-C-CA. GRCh37 (hg19) VCF-style: chr18-55315773-C-CA.
Other names: c.3552dup, p.Asp1185Ter (NM_001374386.1); c.3702dup, p.Asp1235Ter (NM_005603.6); short protein forms D1185*, D1235*.
Identifiers: ClinVar variation 1686491 (VCV001686491.3), dbSNP rs2122524814, ClinGen allele CA2573155444.

ClinVar aggregate classification (germline): Uncertain significance. Review status: criteria provided, multiple submitters, no conflicts (2 of 4 stars). 2 submissions from 2 submitters: Uncertain significance (2). Last evaluated 2025-02-25.

Submissions (2):

Dasa
Classification: Uncertain significance. Last evaluated: 2025-02-25. Review status: criteria provided, single submitter. Criteria: DASA Assertion Criteria. Collection method: clinical testing. Allele origin: germline.
Comment: NM_001374385.1(ATP8B1):c.3702dup (p.Asp1235*) is a nonsense variant in ATP8B1 predicted to introduce a premature termination codon and is predicted to result in an absent or altered protein product. This variant is absent from population databases. The currently available literature and clinical evidence are not sufficient to establish a definitive association between this variant and the reported condition. Therefore, this variant is classified as a variant of uncertain significance.

Mendelics
Classification: Uncertain significance. Last evaluated: 2022-05-04. Review status: criteria provided, single submitter. Criteria: Mendelics Assertion Criteria 2019. Collection method: clinical testing. Allele origin: germline.